The following is an entry in ClinVar:

ClinVar aggregate classification (germline): Pathogenic/Likely pathogenic. Review status: criteria provided, multiple submitters, no conflicts (2 of 4 stars). 6 submissions from 6 submitters: Pathogenic (5); Likely pathogenic (1). Last evaluated 2026-02-04.

Conditions:
MSH3-related disorder. Also called: MSH3-related condition.
Hereditary cancer-predisposing syndrome. Also called: Neoplastic Syndromes, Hereditary; Hereditary neoplastic syndrome; Tumor predisposition; Hereditary Cancer Syndrome. Identifiers: Orphanet 140162, MedGen C0027672, MeSH D009386, MONDO:0015356.
Familial adenomatous polyposis 4 (FAP4). Also called: MSH3-related attenuated familial adenomatous polyposis. Identifiers: Orphanet 480536, MedGen C4310719, MONDO:0044300, OMIM 617100.
Endometrial carcinoma. Also called: Endometrial carcinoma, somatic. Identifiers: MedGen C0476089, MONDO:0002447, OMIM 608089, HP:0012114.

Allele frequency attached by ClinVar (database versions not stated): gnomAD exomes below 0.00001; TOPMed 0.00001.

Submissions (6):

Dasa
Classification: Pathogenic. Last evaluated: 2026-02-04. Review status: criteria provided, single submitter. Criteria: DASA Assertion Criteria. Collection method: clinical testing. Allele origin: germline.
Comment: NM_002439.5(MSH3):c.1060dup (p.Val354Glyfs*4) introduces a premature termination codon predicted to result in loss of normal protein function. Loss-of-function is an established mechanism of disease for this gene. This variant has been reported in individuals with related phenotype (PMID: 34308104). The variant is present at low frequency in population datasets. Based on the available data, this variant is classified as pathogenic.

Labcorp Genetics (formerly Invitae), Labcorp
Classification: Pathogenic. Last evaluated: 2024-04-17. Review status: criteria provided, single submitter. Criteria: Invitae Variant Classification Sherloc (09022015). Collection method: clinical testing. Allele origin: germline.
Comment: This sequence change creates a premature translational stop signal (p.Val354Glyfs*4) in the MSH3 gene. It is expected to result in an absent or disrupted protein product. Loss-of-function variants in MSH3 are known to be pathogenic (PMID: 27476653, 37402566). This variant is not present in population databases (gnomAD no frequency). This variant has not been reported in the literature in individuals affected with MSH3-related conditions. ClinVar contains an entry for this variant (Variation ID: 644085). Algorithms developed to predict the effect of sequence changes on RNA splicing suggest that this variant may disrupt the consensus splice site. For these reasons, this variant has been classified as Pathogenic.

Ambry Genetics
Classification: Pathogenic for Hereditary cancer-predisposing syndrome. Last evaluated: 2023-11-30. Review status: criteria provided, single submitter. Criteria: Ambry Variant Classification Scheme 2023. Collection method: clinical testing. Allele origin: germline.
Comment: The c.1060dupG pathogenic mutation, located in coding exon 7 of the MSH3 gene, results from a duplication of G at nucleotide position 1060, causing a translational frameshift with a predicted alternate stop codon (p.V354Gfs*4). This variant is considered to be rare based on population cohorts in the Genome Aggregation Database (gnomAD). This alteration is expected to result in loss of function by premature protein truncation or nonsense-mediated mRNA decay. As such, this alteration is interpreted as a disease-causing mutation.

Baylor Genetics
Classification: Pathogenic for Endometrial carcinoma. Last evaluated: 2023-10-19. Review status: criteria provided, single submitter. Criteria: ACMG Guidelines, 2015. Collection method: clinical testing. Allele origin: unknown.

PreventionGenetics, part of Exact Sciences
Classification: Likely pathogenic for MSH3-related condition. Last evaluated: 2023-09-19. Review status: criteria provided, single submitter. Criteria: ACMG Guidelines, 2015. Collection method: clinical testing. Allele origin: germline.
Comment: The MSH3 c.1060dupG variant is predicted to result in a frameshift and premature protein termination (p.Val354Glyfs*4). This variant has been reported in an individual with nodular sclerosis Hodgkin lymphoma (Table S2 in Kim et al. 2021. PubMed ID: 34308104). This variant has not been reported in a large population database, indicating this variant is rare. Frameshift variants in MSH3 are expected to be pathogenic and this variant has been classified as pathogenic in ClinVar. This variant is interpreted as likely pathogenic.

Myriad Genetics, Inc.
Classification: Pathogenic for Familial adenomatous polyposis 4. Last evaluated: 2023-08-29. Review status: criteria provided, single submitter. Criteria: Myriad Autosomal Dominant, Autosomal Recessive and X-Linked Classification Criteria (2023). Collection method: clinical testing. Allele origin: unknown.
Comment: This variant is considered pathogenic. This variant creates a frameshift predicted to result in premature protein truncation.

Literature cited by the submitters: PubMed 34308104 (cited by Dasa); PubMed 27476653 (cited by Labcorp Genetics (formerly Invitae), Labcorp); PubMed 37402566 (cited by Labcorp Genetics (formerly Invitae), Labcorp).

NM_002439.5(MSH3):c.1060dup (p.Val354fs)

Gene: MSH3 (mutS homolog 3; plus strand). Cytogenetic location: 5q14.1.
Variant type: Duplication.
Coding change: c.1060dup on transcript NM_002439.5 (MANE Select); coding-DNA position 1060, one base duplicated (G; older notation c.1060dupG).
Protein change: p.Val354fs; shifts the reading frame from valine 354.
Molecular consequence: frameshift variant.
Genome position (GRCh38, 1-based): chr5:80,675,015, G duplicated. VCF-style (leftmost placement, unchanged base first): chr5-80675014-T-TG. GRCh37 (hg19) VCF-style: chr5-79970833-T-TG.
Other names: c.1060dupG (NM_002439.4); short protein forms V354fs.
Identifiers: ClinVar variation 644085 (VCV000644085.15), dbSNP rs1580553669, ClinGen allele CA915943435.